The following is an entry in ClinVar:

ClinVar aggregate classification (germline): Likely pathogenic (1 of 4 stars; one submission).

Submission:

Labcorp Genetics (formerly Invitae), Labcorp
Classification: Likely pathogenic. Last evaluated: 2022-07-25. Review status: criteria provided, single submitter. Criteria: Invitae Variant Classification Sherloc (09022015). Collection method: clinical testing. Allele origin: germline.
Comment: In summary, the currently available evidence indicates that the variant is pathogenic, but additional data are needed to prove that conclusively. Therefore, this variant has been classified as Likely Pathogenic. This variant is not present in population databases (gnomAD no frequency). This variant has not been reported in the literature in individuals affected with GLE1-related conditions. ClinVar contains an entry for this variant (Variation ID: 853814). Algorithms developed to predict the effect of sequence changes on RNA splicing suggest that this variant may disrupt the consensus splice site. This sequence change affects a donor splice site in intron 4 of the GLE1 gene. It is expected to disrupt RNA splicing. Variants that disrupt the donor or acceptor splice site typically lead to a loss of protein function (PMID: 16199547), and loss-of-function variants in GLE1 are known to be pathogenic (PMID: 18204449, 24243016, 27684565).

Literature cited by the submitters: PubMed 16199547; PubMed 18204449; PubMed 24243016; PubMed 27684565.

NM_001003722.2(GLE1):c.581+1G>T

Gene: GLE1 (GLE1 RNA export mediator; plus strand). Cytogenetic location: 9q34.11.
Variant type: single nucleotide variant.
Coding change: c.581+1G>T on transcript NM_001003722.2 (MANE Select); the canonical splice donor site of the intron after coding-DNA position 581, G replaced by T.
Molecular consequence: splice donor variant.
Genome position (GRCh38, 1-based): chr9:128,522,817, G>T. VCF-style: chr9-128522817-G-T. GRCh37 (hg19) VCF-style: chr9-131285096-G-T.
Other names: c.581+1G>T (NM_001499.2, NM_001411013.1).
Identifiers: ClinVar variation 853814 (VCV000853814.8), dbSNP rs1847193508, ClinGen allele CA375039184.
Genomic context (GRCh38, chr9:128,522,817, plus strand): 5'-ATGGAAGGAACTGAAGCAGCATAAAGAATTCCAGGACTTGCGGGAAGTAATGGAGAAGAG[G>T]TGAGTCTCCCTGAATTATGACTGGGAATGTTGATGTGTTCAACTGGAACTCTTTCCCAAG-3'